The following is an entry in ClinVar:

NM_024490.4(ATP10A):c.1599C>A (p.Pro533=)

Gene: ATP10A (ATPase phospholipid transporting 10A (putative); minus strand). Cytogenetic location: 15q12.
Variant type: single nucleotide variant.
Coding change: c.1599C>A on transcript NM_024490.4 (MANE Select); coding-DNA position 1599, C replaced by A.
Protein change: p.Pro533=; no amino-acid change (proline 533 retained).
Molecular consequence: synonymous variant.
Genome position (GRCh38, 1-based): chr15:25,716,907, G>T on the plus strand (C>A on the coding strand, the complement: ATP10A is on the minus strand). VCF-style: chr15-25716907-G-T. GRCh37 (hg19) VCF-style: chr15-25962054-G-T.
Identifiers: ClinVar variation 3388703 (VCV003388703.14).

ClinVar aggregate classification (germline): Likely benign (1 of 4 stars; one submission).

gnomAD v4.1: 5 of 1,584,624 alleles (0.00032%); highest among the groups gnomAD compares: Non-Finnish European, 0.000086%; no homozygotes.

Submission:

CeGaT Center for Human Genetics Tuebingen
Classification: Likely benign. Last evaluated: 2024-11-01. Review status: criteria provided, single submitter. Criteria: CeGaT Center For Human Genetics Tuebingen Variant Classification Criteria Version 2. Collection method: clinical testing. Allele origin: germline. Affected: yes. Observed: 1 variant allele.
Comment: ATP10A: BP4, BP7